The following is an entry in ClinVar:

ClinVar aggregate classification (germline): Likely benign (1 of 4 stars; one submission).

gnomAD v4.1: 24 of 1,611,628 alleles (0.0015%); highest among the groups gnomAD compares: East Asian, 0.0045%; no homozygotes.

Submission:

Mayo Clinic Laboratories, Mayo Clinic
Classification: Likely benign. Last evaluated: 2025-02-18. Review status: criteria provided, single submitter. Criteria: ACMG Guidelines, 2015. Collection method: clinical testing. Allele origin: germline. Observed: 1 variant allele.
Comment: BP4, BP7, PM2_supporting

NM_152416.4(NDUFAF6):c.468C>T (p.Val156=)

Gene: NDUFAF6 (NADH:ubiquinone oxidoreductase complex assembly factor 6; plus strand). Cytogenetic location: 8q22.1.
Variant type: single nucleotide variant.
Coding change: c.468C>T on transcript NM_152416.4 (MANE Select); coding-DNA position 468, C replaced by T.
Protein change: p.Val156=; no amino-acid change (valine 156 retained).
Molecular consequence: synonymous variant. On other transcripts: non-coding transcript variant (6).
Genome position (GRCh38, 1-based): chr8:95,041,617, C>T. VCF-style: chr8-95041617-C-T. GRCh37 (hg19) VCF-style: chr8-96053845-C-T.
Other names: p.Val156=; c.192C>T, p.Val64= (NM_001330582.2, NM_001354514.2, NM_001354515.2 and 1 more transcripts); c.312C>T, p.Val104= (NM_001354516.2); c.135C>T, p.Val45= (NM_001354517.2, NM_001354518.2, NM_001354519.2 and 1 more transcripts); c.12C>T, p.Val4= (NM_001354522.2, NM_001354524.2, NM_001354525.2 and 7 more transcripts).
Identifiers: ClinVar variation 4683352 (VCV004683352.1).
Genomic context (GRCh38, chr8:95,041,617, plus strand): 5'-CTTTGTTTTTTAGGCTGTTAAAAGACATAATCTGACTAAAAGATGGCTTATGAAAATCGT[C>T]GATGAAAGAGTGAGTCAAAATTGTTCAAGTCTTAAGTTTTTTCTTCCTGTTTAATTCTTA-3'
Protein context (NP_689629.2, residues 146-166): NLTKRWLMKI[Val156=]DEREKNLDDK